The following is an entry in ClinVar:

ClinVar aggregate classification (germline): Uncertain significance. Review status: criteria provided, multiple submitters, no conflicts (2 of 4 stars). 4 submissions from 4 submitters: Uncertain significance (4). Last evaluated 2024-02-01.

Conditions:
Inborn genetic diseases. Identifiers: MedGen C0950123, MeSH D030342.

Allele frequency attached by ClinVar (database versions not stated): gnomAD 0.00016 and 0.00017; TOPMed 0.00022.
gnomAD v4.1: 164 of 1,551,510 alleles (0.011%); highest among the groups gnomAD compares: Admixed American, 0.053%; no homozygotes.

Submissions (4):

CeGaT Center for Human Genetics Tuebingen
Classification: Uncertain significance. Last evaluated: 2024-02-01. Review status: criteria provided, single submitter. Criteria: CeGaT Center For Human Genetics Tuebingen Variant Classification Criteria Version 2. Collection method: clinical testing. Allele origin: germline. Affected: yes. Observed: 1 variant allele.
Comment: LOXHD1: PM2, BP4

Labcorp Genetics (formerly Invitae), Labcorp
Classification: Uncertain significance. Last evaluated: 2022-01-11. Review status: criteria provided, single submitter. Criteria: Invitae Variant Classification Sherloc (09022015). Collection method: clinical testing. Allele origin: germline.
Comment: This sequence change replaces threonine, which is neutral and polar, with methionine, which is neutral and non-polar, at codon 1936 of the LOXHD1 protein (p.Thr1936Met). This variant is present in population databases (rs538782734, gnomAD 0.06%). This variant has not been reported in the literature in individuals affected with LOXHD1-related conditions. ClinVar contains an entry for this variant (Variation ID: 500428). Algorithms developed to predict the effect of missense changes on protein structure and function are either unavailable or do not agree on the potential impact of this missense change (SIFT: "Tolerated"; PolyPhen-2: "Probably Damaging"; Align-GVGD: "Class C0"). In summary, the available evidence is currently insufficient to determine the role of this variant in disease. Therefore, it has been classified as a Variant of Uncertain Significance.

Ambry Genetics
Classification: Uncertain significance for Inborn genetic diseases. Last evaluated: 2021-09-16. Review status: criteria provided, single submitter. Criteria: Ambry Variant Classification Scheme 2023. Collection method: clinical testing. Allele origin: germline.

Eurofins Ntd Llc (ga)
Classification: Uncertain significance. Last evaluated: 2017-02-27. Review status: criteria provided, single submitter. Criteria: EGL Classification Definitions 2015. Collection method: clinical testing. Allele origin: germline. Observed: 1 variant allele, 1 heterozygote.

NM_001384474.1(LOXHD1):c.5993C>T (p.Thr1998Met)

Gene: LOXHD1 (lipoxygenase homology PLAT domains 1; minus strand). Cytogenetic location: 18q21.1.
Variant type: single nucleotide variant.
Coding change: c.5993C>T on transcript NM_001384474.1 (MANE Select); coding-DNA position 5993, C replaced by T.
Protein change: p.Thr1998Met; replaces threonine 1998 with methionine.
Molecular consequence: missense variant.
Genome position (GRCh38, 1-based): chr18:46,489,028, G>A on the plus strand (C>T on the coding strand, the complement: LOXHD1 is on the minus strand). VCF-style: chr18-46489028-G-A. GRCh37 (hg19) VCF-style: chr18-44068991-G-A.
Other names: c.2660C>T, p.Thr887Met (NM_001145472.3); c.710C>T, p.Thr237Met (NM_001145473.3, NM_001173129.2); c.2372C>T, p.Thr791Met (NM_001308013.2); c.5807C>T, p.Thr1936Met (NM_144612.7); c.5807C>T (NM_144612.6); short protein forms T1936M, T237M, T887M, T791M, T1998M.
Identifiers: ClinVar variation 500428 (VCV000500428.30), dbSNP rs538782734, ClinGen allele CA299786885.